The following is an entry in ClinVar:

NM_130839.5(UBE3A):c.1000C>T (p.Arg334Trp)

Genes: SNHG14 (small nucleolar RNA host gene 14; plus strand), UBE3A (ubiquitin protein ligase E3A; minus strand). Cytogenetic location: 15q11.2.
Variant type: single nucleotide variant.
Coding change: c.1000C>T on transcript NM_130839.5 (MANE Select); coding-DNA position 1000, C replaced by T.
Protein change: p.Arg334Trp; replaces arginine 334 with tryptophan.
Molecular consequence: missense variant. On other transcripts: non-coding transcript variant (1), intron variant (2).
Genome position (GRCh38, 1-based): chr15:25,371,174, G>A on the plus strand (C>T on the coding strand, the complement: UBE3A is on the minus strand). VCF-style: chr15-25371174-G-A. GRCh37 (hg19) VCF-style: chr15-25616321-G-A.
Other names: c.1009C>T, p.Arg337Trp (NM_000462.5); c.1000C>T, p.Arg334Trp (NM_001354505.1, NM_001354538.2, NM_001354545.2); c.940C>T, p.Arg314Trp (NM_001354506.2, NM_001354507.2, NM_001354508.2 and 17 more transcripts); c.823C>T, p.Arg275Trp (NM_001354546.2); c.301+4291C>T (NM_001354551.2); c.361+4291C>T (NM_001354550.2); short protein forms R275W, R314W, R334W, R337W.
Identifiers: ClinVar variation 4082296 (VCV004082296.1).

ClinVar aggregate classification (germline): Likely pathogenic (1 of 4 stars; one submission).

Conditions:
Angelman syndrome (AS). Also called: HAPPY PUPPET SYNDROME. Identifiers: Orphanet 72, MedGen C0162635, MONDO:0007113, OMIM 105830. Disease mechanism: loss of function. Inheritance: AS is caused by disruption of maternally imprinted UBE3A located within the 15q11.2-q13 Angelman syndrome/Prader-Willi syndrome (AS/PWS) region., imprinting disorder.

Submission:

Medical Genetics Center, Maternal and Child Health Hospital of Hubei Province
Classification: Likely pathogenic for Angelman syndrome. Last evaluated: 2022-04-17. Review status: criteria provided, single submitter. Criteria: ACMG Guidelines, 2015. Collection method: clinical testing. Allele origin: de novo. Affected: yes.
Comment: PS2 + PM1 + PM2 + PP2